The following is an entry in ClinVar:

NM_147127.5(EVC2):c.2729C>G (p.Ser910Ter)

Gene: EVC2 (EvC ciliary complex subunit 2; minus strand). Cytogenetic location: 4p16.2.
Variant type: single nucleotide variant.
Coding change: c.2729C>G on transcript NM_147127.5 (MANE Select); coding-DNA position 2729, C replaced by G.
Protein change: p.Ser910Ter; replaces serine 910 with a stop codon.
Molecular consequence: nonsense.
Genome position (GRCh38, 1-based): chr4:5,615,522, G>C on the plus strand (C>G on the coding strand, the complement: EVC2 is on the minus strand). VCF-style: chr4-5615522-G-C. GRCh37 (hg19) VCF-style: chr4-5617249-G-C.
Other names: c.2489C>G, p.Ser830Ter (NM_001166136.2); short protein forms S830*, S910*.
Identifiers: ClinVar variation 1393504 (VCV001393504.7), dbSNP rs2108829049, ClinGen allele CA356142407.
Genomic context (GRCh38, chr4:5,615,522, plus strand): 5'-TGAATTTTGTCTTCGATGCACTTCTTCAGAAGCTCTCCCTTGCTTTTACTCTTGGACCGT[G>C]ACTTTCTCACCTTGGACTGTTGCTGGAGAGGGGTTGGGGAAGACGTGGGTAAGAAGGCAA-3'

ClinVar aggregate classification (germline): Pathogenic (1 of 4 stars; one submission).

Conditions:
Curry-Hall syndrome (WAD). Also called: WEYERS ACRODENTAL DYSOSTOSIS. Identifiers: Orphanet 952, MedGen C0457013, MONDO:0008673, OMIM 193530.
Ellis-van Creveld syndrome (EVC). Also called: EVC-Related Ellis-van Creveld Syndrome; EVC2-Related Ellis-van Creveld Syndrome; Chondroectodermal dysplasia; MESOECTODERMAL DYSPLASIA. Identifiers: Orphanet 289, MedGen C0013903, MONDO:0009162, OMIM 225500.

Submission:

Labcorp Genetics (formerly Invitae), Labcorp
Classification: Pathogenic for Curry-Hall syndrome; Ellis-van Creveld syndrome. Last evaluated: 2021-04-04. Review status: criteria provided, single submitter. Criteria: Invitae Variant Classification Sherloc (09022015). Collection method: clinical testing. Allele origin: germline.
Comment: For these reasons, this variant has been classified as Pathogenic. This variant has not been reported in the literature in individuals with EVC2-related conditions. This variant is not present in population databases (ExAC no frequency). This sequence change creates a premature translational stop signal (p.Ser910*) in the EVC2 gene. It is expected to result in an absent or disrupted protein product. Loss-of-function variants in EVC2 are known to be pathogenic (PMID: 17024374, 19810119, 19876929).

Literature cited by the submitters: PubMed 17024374; PubMed 19810119; PubMed 19876929.